The following is an entry in ClinVar:

ClinVar aggregate classification (germline): Uncertain significance (1 of 4 stars; one submission).

Conditions:
Autosomal dominant nocturnal frontal lobe epilepsy 5. Also called: Epilepsy, nocturnal frontal lobe, 5; KCNT1-Related Epilepsy; CILIARY DYSKINESIA, PRIMARY, 28, WITHOUT SITUS INVERSUS; CILIARY DYSKINESIA, PRIMARY, 28, WITH SITUS INVERSUS. Identifiers: Orphanet 98784, MedGen C3554306, MONDO:0014002, OMIM 615005.
Developmental and epileptic encephalopathy, 14 (DEE14). Also called: Early infantile epileptic encephalopathy 14. Identifiers: Orphanet 293181, MedGen C3554195, MONDO:0013989, OMIM 614959.

Submission:

Labcorp Genetics (formerly Invitae), Labcorp
Classification: Uncertain significance for Autosomal dominant nocturnal frontal lobe epilepsy 5; Developmental and epileptic encephalopathy, 14. Last evaluated: 2025-01-13. Review status: criteria provided, single submitter. Criteria: Invitae Variant Classification Sherloc (09022015). Collection method: clinical testing. Allele origin: germline.
Comment: This sequence change replaces threonine, which is neutral and polar, with arginine, which is basic and polar, at codon 1043 of the KCNT1 protein (p.Thr1043Arg). This variant is not present in population databases (gnomAD no frequency). This variant has not been reported in the literature in individuals affected with KCNT1-related conditions. ClinVar contains an entry for this variant (Variation ID: 2951394). Invitae Evidence Modeling of protein sequence and biophysical properties (such as structural, functional, and spatial information, amino acid conservation, physicochemical variation, residue mobility, and thermodynamic stability) indicates that this missense variant is expected to disrupt KCNT1 protein function with a positive predictive value of 80%. In summary, the available evidence is currently insufficient to determine the role of this variant in disease. Therefore, it has been classified as a Variant of Uncertain Significance.

NM_020822.3(KCNT1):c.3128C>G (p.Thr1043Arg)

Gene: KCNT1 (potassium sodium-activated channel subfamily T member 1; plus strand). Cytogenetic location: 9q34.3.
Variant type: single nucleotide variant.
Coding change: c.3128C>G on transcript NM_020822.3 (MANE Select); coding-DNA position 3128, C replaced by G.
Protein change: p.Thr1043Arg; replaces threonine 1043 with arginine.
Molecular consequence: missense variant.
Genome position (GRCh38, 1-based): chr9:135,784,861, C>G. VCF-style: chr9-135784861-C-G. GRCh37 (hg19) VCF-style: chr9-138676707-C-G.
Other names: c.2993C>G, p.Thr998Arg (NM_001272003.2); short protein forms T1043R, T998R.
Identifiers: ClinVar variation 2951394 (VCV002951394.3), dbSNP rs1361200980, ClinGen allele CA375518242.